The following is an entry in ClinVar:

NM_001377.3(DYNC2H1):c.12385_12386del (p.Ser4129fs)

Gene: DYNC2H1 (dynein cytoplasmic 2 heavy chain 1; plus strand). Cytogenetic location: 11q22.3.
Variant type: Microsatellite.
Coding change: c.12385_12386del on transcript NM_001377.3 (MANE Select); coding-DNA positions 12385 to 12386, 2 bases deleted (AG; older notation c.12385_12386delAG).
Protein change: p.Ser4129fs; shifts the reading frame from serine 4129.
Molecular consequence: frameshift variant.
Genome position (GRCh38, 1-based): chr11:103,435,961-103,435,962, AG deleted; deleting any 2 consecutive bases within chr11:103,435,959-103,435,962 gives the same sequence; the c. name uses the placement nearest the transcript's 3' end. VCF-style (leftmost placement, unchanged base first): chr11-103435958-CAG-C. GRCh37 (hg19) VCF-style: chr11-103306686-CAG-C.
Other names: c.12406_12407del, p.Ser4136fs (NM_001080463.2); short protein forms S4129fs, S4136fs.
Identifiers: ClinVar variation 4081636 (VCV004081636.1).
Genomic context (GRCh38, chr11:103,435,958, plus strand): 5'-AGTATCATATACACAAACTTAATTTTGACCCTTTTTAAATTGCAGTGTCCTCTCGCATGG[CAG>C]AGCAAGTGGGAAGGCCCAGAAGATCCCTTACAATACCTGAGAGGTCTTGTTGCCCGTGCC-3'

ClinVar aggregate classification (germline): Pathogenic (1 of 4 stars; one submission).

Conditions:
Asphyxiating thoracic dystrophy 3. Also called: SHORT-RIB THORACIC DYSPLASIA 3 WITH OR WITHOUT POLYDACTYLY; SHORT-RIB THORACIC DYSPLASIA 3/6 WITH POLYDACTYLY, DIGENIC; POLYDACTYLY WITH NEONATAL CHONDRODYSTROPHY, TYPE I; Short rib polydactyly syndrome 2B; Saldino-Noonan Syndrome. Identifiers: Orphanet 474, Orphanet 93269, Orphanet 93270, Orphanet 93271, MedGen C0036069, MONDO:0013127, OMIM 613091.

Submission:

Myriad Genetics, Inc.
Classification: Pathogenic for Asphyxiating thoracic dystrophy 3. Last evaluated: 2025-02-20. Review status: criteria provided, single submitter. Criteria: Myriad Autosomal Dominant, Autosomal Recessive and X-Linked Classification Criteria (2023). Collection method: clinical testing. Allele origin: unknown.
Comment: NM_001377.2(DYNC2H1):c.12385_12386delAG(S4129Qfs*28) is a frameshift variant classified as pathogenic in the context of DYNC2H1-related disorders. S4129Qfs*28 has been observed in a case with relevant disease (PMID: 36653407). Relevant functional assessments of this variant are not available in the literature. S4129Qfs*28 has not been observed in referenced population frequency databases. In summary, NM_001377.2(DYNC2H1):c.12385_12386delAG(S4129Qfs*28) is a frameshift variant in a gene where loss of function is a known mechanism of disease, is predicted to disrupt protein function, and has been observed more frequently in cases with the relevant disease than in healthy populations. Please note: this variant was assessed in the context of healthy population screening.

Literature cited by the submitters: PubMed 36653407.